The following is an entry in ClinVar:

ClinVar aggregate classification (germline): Benign (1 of 4 stars; one submission).

Conditions:
Retinoblastoma (RB1). Also called: RETINOBLASTOMA, SOMATIC. Identifiers: Orphanet 790, MedGen C0035335, MeSH D012175, MONDO:0008380, OMIM 180200, HP:0009919. Disease mechanism: loss of function. Inheritance: Both sporadic and heritable forms are tested..

Submission:

Myriad Genetics, Inc.
Classification: Benign for Retinoblastoma. Last evaluated: 2026-06-23. Review status: criteria provided, single submitter. Criteria: Myriad Autosomal Dominant, Autosomal Recessive and X-Linked Classification Criteria (2023). Collection method: clinical testing. Allele origin: unknown.
Comment: This variant is considered benign. This variant is a silent/synonymous amino acid change and it is not expected to impact splicing.

NM_000321.3(RB1):c.432T>A (p.Val144=)

Gene: RB1 (RB transcriptional corepressor 1; plus strand). Cytogenetic location: 13q14.2.
Variant type: single nucleotide variant.
Coding change: c.432T>A on transcript NM_000321.3 (MANE Select); coding-DNA position 432, T replaced by A.
Protein change: p.Val144=; no amino-acid change (valine 144 retained).
Molecular consequence: synonymous variant.
Genome position (GRCh38, 1-based): chr13:48,345,131, T>A. VCF-style: chr13-48345131-T-A. GRCh37 (hg19) VCF-style: chr13-48919267-T-A.
Other names: c.432T>A, p.Val144= (NM_001407165.1, NM_001407166.1).
Identifiers: ClinVar variation 4876001 (VCV004876001.1).